The following is an entry in ClinVar:

ClinVar aggregate classification (germline): Uncertain significance. Review status: criteria provided, single submitter (1 of 4 stars). 2 submissions from 2 submitters: Uncertain significance (1). 1 of the submissions does not count toward it. Last evaluated 2023-03-27.

Conditions:
TRPC5-related disorder. Also called: TRPC5-related condition.

Allele frequency attached by ClinVar (database versions not stated): ExAC 0.00004; gnomAD exomes 0.00004; TOPMed 0.00004; gnomAD 0.00005.
gnomAD v4.1: 45 of 1,209,442 alleles (0.0037%); highest among the groups gnomAD compares: African/African-American, 0.0053%; no homozygotes.

Submissions (2):

Ambry Genetics
Classification: Uncertain significance. Last evaluated: 2023-03-27. Review status: criteria provided, single submitter. Criteria: Ambry Variant Classification Scheme 2023. Collection method: clinical testing. Allele origin: germline.

PreventionGenetics, part of Exact Sciences
Classification: Uncertain significance for TRPC5-related condition. Last evaluated: 2024-05-23. Review status: no assertion criteria provided. Collection method: clinical testing. Allele origin: germline. Not counted in ClinVar's aggregate classification.
Comment: The TRPC5 c.2785G>A variant is predicted to result in the amino acid substitution p.Ala929Thr. To our knowledge, this variant has not been reported in the literature. This variant is reported in 0.0053% of alleles in individuals of African descent in gnomAD. At this time, the clinical significance of this variant is uncertain due to the absence of conclusive functional and genetic evidence.

NM_012471.3(TRPC5):c.2785G>A (p.Ala929Thr)

Gene: TRPC5 (transient receptor potential cation channel subfamily C member 5; minus strand). Cytogenetic location: Xq23.
Variant type: single nucleotide variant.
Coding change: c.2785G>A on transcript NM_012471.3 (MANE Select); coding-DNA position 2785, G replaced by A.
Protein change: p.Ala929Thr; replaces alanine 929 with threonine.
Molecular consequence: missense variant.
Genome position (GRCh38, 1-based): chrX:111,776,450, C>T on the plus strand (G>A on the coding strand, the complement: TRPC5 is on the minus strand). VCF-style: chrX-111776450-C-T. GRCh37 (hg19) VCF-style: chrX-111019678-C-T.
Other names: short protein forms A929T.
Identifiers: ClinVar variation 2529988 (VCV002529988.3), dbSNP rs765945797, ClinGen allele CA10494113.